The following is an entry in ClinVar:

ClinVar aggregate classification (germline): Uncertain significance. Review status: criteria provided, multiple submitters, no conflicts (2 of 4 stars). 3 submissions from 3 submitters: Uncertain significance (3). Last evaluated 2024-08-21.

Allele frequency attached by ClinVar (database versions not stated): gnomAD 0.00001; gnomAD exomes 0.00001; ExAC 0.00002; TOPMed 0.00002.
gnomAD v4.1: 13 of 1,613,996 alleles (0.00081%); highest among the groups gnomAD compares: African/African-American, 0.0013%; no homozygotes.

Submissions (3):

Ambry Genetics
Classification: Uncertain significance. Last evaluated: 2024-08-21. Review status: criteria provided, single submitter. Criteria: Ambry Variant Classification Scheme 2023. Collection method: clinical testing. Allele origin: germline.

Blueprint Genetics
Classification: Uncertain significance. Last evaluated: 2023-11-10. Review status: criteria provided, single submitter. Criteria: ACMG Guidelines, 2015. Collection method: clinical testing. Allele origin: germline.

Labcorp Genetics (formerly Invitae), Labcorp
Classification: Uncertain significance. Last evaluated: 2021-08-23. Review status: criteria provided, single submitter. Criteria: Invitae Variant Classification Sherloc (09022015). Collection method: clinical testing. Allele origin: germline.
Comment: This sequence change replaces glycine with arginine at codon 18 of the PDE6G protein (p.Gly18Arg). The glycine residue is highly conserved and there is a moderate physicochemical difference between glycine and arginine. This variant is present in population databases (rs769825057, ExAC 0.006%). This variant has not been reported in the literature in individuals affected with PDE6G-related conditions. Algorithms developed to predict the effect of missense changes on protein structure and function (SIFT, PolyPhen-2, Align-GVGD) all suggest that this variant is likely to be disruptive. In summary, the available evidence is currently insufficient to determine the role of this variant in disease. Therefore, it has been classified as a Variant of Uncertain Significance.

NM_002602.4(PDE6G):c.52G>A (p.Gly18Arg)

Gene: PDE6G (phosphodiesterase 6G; minus strand). Cytogenetic location: 17q25.3.
Variant type: single nucleotide variant.
Coding change: c.52G>A on transcript NM_002602.4 (MANE Select); coding-DNA position 52, G replaced by A.
Protein change: p.Gly18Arg; replaces glycine 18 with arginine.
Molecular consequence: missense variant.
Genome position (GRCh38, 1-based): chr17:81,653,254, C>T on the plus strand (G>A on the coding strand, the complement: PDE6G is on the minus strand). VCF-style: chr17-81653254-C-T. GRCh37 (hg19) VCF-style: chr17-79620284-C-T.
Other names: c.52G>A, p.Gly18Arg (NM_001365724.1, NM_001365725.1); c.52G>A (NM_002602.3); short protein forms G18R.
Identifiers: ClinVar variation 1354845 (VCV001354845.5), dbSNP rs769825057, ClinGen allele CA8839073.